The following is an entry in ClinVar:

ClinVar aggregate classification (germline): Likely benign (1 of 4 stars; one submission).

gnomAD v4.1: 24 of 1,613,808 alleles (0.0015%); highest among the groups gnomAD compares: Admixed American, 0.017%; no homozygotes.

Submission:

CeGaT Center for Human Genetics Tuebingen
Classification: Likely benign. Last evaluated: 2026-04-01. Review status: criteria provided, single submitter. Criteria: CeGaT Center For Human Genetics Tuebingen Variant Classification Criteria Version 2. Collection method: clinical testing. Allele origin: germline. Affected: yes. Observed: 1 variant allele.
Comment: CEL: BP4, BP7

NM_001807.6(CEL):c.450C>T (p.Ile150=)

Gene: CEL (carboxyl ester lipase; plus strand). Cytogenetic location: 9q34.13.
Variant type: single nucleotide variant.
Coding change: c.450C>T on transcript NM_001807.6 (MANE Select); coding-DNA position 450, C replaced by T.
Protein change: p.Ile150=; no amino-acid change (isoleucine 150 retained).
Molecular consequence: synonymous variant.
Genome position (GRCh38, 1-based): chr9:133,065,149, C>T. VCF-style: chr9-133065149-C-T. GRCh37 (hg19) VCF-style: chr9-135940536-C-T.
Identifiers: ClinVar variation 4873244 (VCV004873244.2).
Genomic context (GRCh38, chr9:133,065,149, plus strand): 5'-CATGGGGTCCGGCCATGGGGCCAACTTCCTCAACAACTACCTGTATGACGGCGAGGAGAT[C>T]GCCACACGCGGAAACGTCATCGTGGTCACCTTCAACTACCGTGTCGGCCCCCTTGGGTTC-3'
Protein context (NP_001798.3, residues 140-160): LNNYLYDGEE[Ile150=]ATRGNVIVVT